The following is an entry in ClinVar:

ClinVar aggregate classification (germline): Uncertain significance (1 of 4 stars; one submission).

Conditions:
Developmental and epileptic encephalopathy, 53. Also called: Epileptic encephalopathy, early infantile, 53. Identifiers: MedGen C4479313, MONDO:0033362, OMIM 617389.
Early-onset Parkinson disease 20. Also called: PARKINSON DISEASE 20, AUTOSOMAL RECESSIVE EARLY-ONSET. Identifiers: Orphanet 391411, MedGen C3809824, MONDO:0014233, OMIM 615530.

Allele frequency attached by ClinVar (database versions not stated): gnomAD 0.00001; 1000 Genomes Project 30x 0.00016; 1000 Genomes Project 0.00020.
gnomAD v4.1: 2 of 1,614,118 alleles (0.00012%); highest among the groups gnomAD compares: Admixed American, 0.0033%; no homozygotes.

Submission:

Labcorp Genetics (formerly Invitae), Labcorp
Classification: Uncertain significance for Developmental and epileptic encephalopathy, 53; Early-onset Parkinson disease 20. Last evaluated: 2022-06-08. Review status: criteria provided, single submitter. Criteria: Invitae Variant Classification Sherloc (09022015). Collection method: clinical testing. Allele origin: germline.
Comment: This sequence change replaces asparagine, which is neutral and polar, with serine, which is neutral and polar, at codon 946 of the SYNJ1 protein (p.Asn946Ser). This variant is not present in population databases (gnomAD no frequency). This variant has not been reported in the literature in individuals affected with SYNJ1-related conditions. ClinVar contains an entry for this variant (Variation ID: 838036). Algorithms developed to predict the effect of missense changes on protein structure and function output the following: SIFT: "Tolerated"; PolyPhen-2: "Benign"; Align-GVGD: "Class C0". The serine amino acid residue is found in multiple mammalian species, which suggests that this missense change does not adversely affect protein function. Algorithms developed to predict the effect of sequence changes on RNA splicing suggest that this variant may create or strengthen a splice site. In summary, the available evidence is currently insufficient to determine the role of this variant in disease. Therefore, it has been classified as a Variant of Uncertain Significance.

NM_203446.3(SYNJ1):c.2720A>G (p.Asn907Ser)

Gene: SYNJ1 (synaptojanin 1; minus strand). Cytogenetic location: 21q22.11.
Variant type: single nucleotide variant.
Coding change: c.2720A>G on transcript NM_203446.3 (MANE Select); coding-DNA position 2720, A replaced by G.
Protein change: p.Asn907Ser; replaces asparagine 907 with serine.
Molecular consequence: missense variant.
Genome position (GRCh38, 1-based): chr21:32,656,762, T>C on the plus strand (A>G on the coding strand, the complement: SYNJ1 is on the minus strand). VCF-style: chr21-32656762-T-C. GRCh37 (hg19) VCF-style: chr21-34029072-T-C.
Other names: c.2720A>G, p.Asn907Ser (NM_001160302.2); c.2705A>G, p.Asn902Ser (NM_001160306.2); c.2837A>G, p.Asn946Ser (NM_003895.4); short protein forms N902S, N907S, N946S.
Identifiers: ClinVar variation 838036 (VCV000838036.9), dbSNP rs542405957, ClinGen allele CA319425793.